The following is an entry in ClinVar:

ClinVar aggregate classification (germline): Pathogenic. Review status: criteria provided, multiple submitters, no conflicts (2 of 4 stars). 5 submissions from 5 submitters: Pathogenic (5). Last evaluated 2026-01-05.

Conditions:
Hereditary nonpolyposis colorectal neoplasms. Identifiers: MedGen C0009405, MeSH D003123.
Lynch syndrome 4 (LYNCH4). Also called: Colorectal cancer, hereditary nonpolyposis, type 4; Hereditary non-polyposis colorectal cancer, type 4. Identifiers: Orphanet 144, MedGen C1838333, MONDO:0013699, OMIM 614337. Disease mechanism: loss of function.
Hereditary cancer-predisposing syndrome. Also called: Hereditary Cancer Syndrome; Tumor predisposition; Neoplastic Syndromes, Hereditary; Hereditary neoplastic syndrome. Identifiers: Orphanet 140162, MedGen C0027672, MeSH D009386, MONDO:0015356.

Allele frequency attached by ClinVar (database versions not stated): gnomAD exomes below 0.00001; TOPMed below 0.00001; ExAC 0.00001.

Submissions (5):

Ambry Genetics
Classification: Pathogenic for Hereditary cancer-predisposing syndrome. Last evaluated: 2026-01-05. Review status: criteria provided, single submitter. Criteria: Ambry Variant Classification Scheme 2023. Collection method: clinical testing. Allele origin: germline.
Comment: The c.65C>A (p.S22*) alteration, located in exon 2 (coding exon 2) of the PMS2 gene, consists of a C to A substitution at nucleotide position 65. This changes the amino acid from a serine (S) to a stop codon at amino acid position 22. This alteration is expected to result in loss of function by premature protein truncation or nonsense-mediated mRNA decay. Based on data from gnomAD, the A allele has an overall frequency of <0.001% (1/245676) total alleles studied. The highest observed frequency was 0.003% (1/30370) of South Asian alleles. This variant has been identified in conjunction with an exon 14 deletion of PMS2 in an individual with features consistent with constitutional mismatch repair deficiency (CMMR-D) syndrome (Li, 2015). Based on the available evidence, this alteration is classified as pathogenic.

Labcorp Genetics (formerly Invitae), Labcorp
Classification: Pathogenic for Hereditary nonpolyposis colorectal neoplasms. Last evaluated: 2025-12-23. Review status: criteria provided, single submitter. Criteria: Invitae Variant Classification Sherloc (09022015). Collection method: clinical testing. Allele origin: germline.
Comment: This sequence change creates a premature translational stop signal (p.Ser22*) in the PMS2 gene. It is expected to result in an absent or disrupted protein product. Loss-of-function variants in PMS2 are known to be pathogenic (PMID: 21376568, 24362816). This variant is present in population databases (rs767028531, gnomAD 0.003%). This premature translational stop signal has been observed in individual(s) with clinical features of PMS2-related conditions (PMID: 26320870). ClinVar contains an entry for this variant (Variation ID: 826502). RNA analysis performed to evaluate the impact of this premature translational stop signal on mRNA splicing indicates it does not significantly alter splicing (internal data). For these reasons, this variant has been classified as Pathogenic.

Quest Diagnostics Nichols Institute San Juan Capistrano
Classification: Pathogenic. Last evaluated: 2024-10-08. Review status: criteria provided, single submitter. Criteria: Quest Diagnostics criteria. Collection method: clinical testing. Allele origin: unknown.
Comment: The PMS2 c.65C>A (p.Ser22*) variant causes the premature termination of PMS2 protein synthesis. This variant has been reported in the published literature in an individual with childhood onset hematopoetic malignancies who also carried a PMS2 deletion which is consistent with constitutional mismatch repair deficiency (CMMRD) syndrome (PMID: 26320870 (2015)). Based on the available information, this variant is classified as pathogenic.

Myriad Genetics, Inc.
Classification: Pathogenic for Lynch syndrome 4. Last evaluated: 2023-09-18. Review status: criteria provided, single submitter. Criteria: Myriad Autosomal Dominant, Autosomal Recessive and X-Linked Classification Criteria (2023). Collection method: clinical testing. Allele origin: unknown.
Comment: This variant is considered pathogenic. This variant creates a termination codon and is predicted to result in premature protein truncation.

Baylor Genetics
Classification: Pathogenic for Lynch syndrome 4. Last evaluated: 2021-01-07. Review status: criteria provided, single submitter. Criteria: ACMG Guidelines, 2015. Collection method: clinical testing. Allele origin: unknown.

Literature cited by the submitters: PubMed 26320870 (cited by 3 submitters); PubMed 21376568 (cited by Labcorp Genetics (formerly Invitae), Labcorp); PubMed 24362816 (cited by Labcorp Genetics (formerly Invitae), Labcorp); PubMed 29922827 (cited by Quest Diagnostics Nichols Institute San Juan Capistrano).

NM_000535.7(PMS2):c.65C>A (p.Ser22Ter)

Gene: PMS2 (PMS1 homolog 2, mismatch repair system component; minus strand). Cytogenetic location: 7p22.1.
Variant type: single nucleotide variant.
Coding change: c.65C>A on transcript NM_000535.7 (MANE Select); coding-DNA position 65, C replaced by A.
Protein change: p.Ser22Ter; replaces serine 22 with a stop codon.
Molecular consequence: nonsense. On other transcripts: 5 prime UTR variant (8), non-coding transcript variant (1), intron variant (3).
Genome position (GRCh38, 1-based): chr7:6,005,990, G>T on the plus strand (C>A on the coding strand, the complement: PMS2 is on the minus strand). VCF-style: chr7-6005990-G-T. GRCh37 (hg19) VCF-style: chr7-6045621-G-T.
Other names: c.-341C>A (NM_001322003.2, NM_001322005.2, NM_001322009.2 and 1 more transcripts); c.65C>A, p.Ser22Ter (NM_001322006.2, NM_001322014.2); c.-151C>A (NM_001322007.2); c.-820C>A (NM_001322011.2, NM_001322012.2); c.-420C>A (NM_001322015.2); c.-52-1932C>A (NM_001322008.2); c.-242-1932C>A (NM_001322010.2, NM_001322004.2); c.65C>A (NM_000535.6); short protein forms S22*.
Identifiers: ClinVar variation 826502 (VCV000826502.17), dbSNP rs767028531, ClinGen allele CA050809.